The following is an entry in ClinVar:

ClinVar aggregate classification (germline): Likely pathogenic (1 of 4 stars; one submission).

Submission:

Ambry Genetics
Classification: Likely pathogenic. Last evaluated: 2026-02-17. Review status: criteria provided, single submitter. Criteria: Ambry Variant Classification Scheme 2023. Collection method: clinical testing. Allele origin: germline.
Comment: The c.2246A>G (p.Y749C) alteration is located in coding exon 16 of the UPF1 gene. This alteration results from a A to G substitution at nucleotide position 2246, causing the tyrosine (Y) at amino acid position 749 to be replaced by a cysteine (C). This variant was not reported in population-based cohorts in the Genome Aggregation Database (gnomAD). This amino acid position is highly conserved in available vertebrate species. This missense alteration is located in a region that has a low rate of benign missense variation (Lek, 2016; Firth, 2009). This alteration is predicted to be deleterious by in silico analysis. Based on the available evidence, this alteration is classified as likely pathogenic.

NM_002911.4(UPF1):c.2246A>G (p.Tyr749Cys)

Gene: UPF1 (UPF1 RNA helicase and ATPase; plus strand). Cytogenetic location: 19p13.11.
Variant type: single nucleotide variant.
Coding change: c.2246A>G on transcript NM_002911.4 (MANE Select); coding-DNA position 2246, A replaced by G.
Protein change: p.Tyr749Cys; replaces tyrosine 749 with cysteine.
Molecular consequence: missense variant.
Genome position (GRCh38, 1-based): chr19:18,860,384, A>G. VCF-style: chr19-18860384-A-G. GRCh37 (hg19) VCF-style: chr19-18971193-A-G.
Other names: c.2279A>G, p.Tyr760Cys (NM_001297549.2); short protein forms Y760C, Y749C.
Identifiers: ClinVar variation 4827887 (VCV004827887.1).
Genomic context (GRCh38, chr19:18,860,384, plus strand): 5'-ATCGTGTGAAGAAGGGATTTGACTTCCAGTGGCCCCAACCCGATAAACCGATGTTCTTCT[A>G]CGTGACCCAGGGCCAAGAGGAGATTGCCAGCTCGGGCACCTCCTACCTGAACAGGTGAGC-3'
Protein context (NP_002902.2, residues 739-759): WPQPDKPMFF[Tyr749Cys]VTQGQEEIAS